The following is an entry in ClinVar:

ClinVar aggregate classification (germline): Uncertain significance (1 of 4 stars; one submission).

gnomAD v4.1: 5 of 1,614,042 alleles (0.00031%); highest among the groups gnomAD compares: African/African-American, 0.004%; no homozygotes.

Submission:

ARUP Laboratories, Molecular Genetics and Genomics, ARUP Laboratories
Classification: Uncertain significance. Last evaluated: 2025-01-24. Review status: criteria provided, single submitter. Criteria: ARUP Molecular Germline Variant Investigation Process 2024. Collection method: clinical testing. Allele origin: germline.
Comment: The SPTB c.1937T>C; p.Met646Thr variant (rs761372149), to our knowledge, is not reported in the medical literature or gene specific databases. This variant is only observed on two alleles in the Genome Aggregation Database (v2.1.1), indicating it is not a common polymorphism. Computational analyses are uncertain whether this variant is neutral or deleterious (REVEL: 0.261). Due to limited information, the clinical significance of this variant is uncertain at this time.

NM_001355436.2(SPTB):c.1937T>C (p.Met646Thr)

Gene: SPTB (spectrin beta, erythrocytic; minus strand). Cytogenetic location: 14q23.3.
Variant type: single nucleotide variant.
Coding change: c.1937T>C on transcript NM_001355436.2 (MANE Select); coding-DNA position 1937, T replaced by C.
Protein change: p.Met646Thr; replaces methionine 646 with threonine.
Molecular consequence: missense variant.
Genome position (GRCh38, 1-based): chr14:64,793,726, A>G on the plus strand (T>C on the coding strand, the complement: SPTB is on the minus strand). VCF-style: chr14-64793726-A-G. GRCh37 (hg19) VCF-style: chr14-65260444-A-G.
Other names: c.1937T>C, p.Met646Thr (NM_001024858.4, NM_001355437.2); short protein forms M646T.
Identifiers: ClinVar variation 4685581 (VCV004685581.1).